The following is an entry in ClinVar:

ClinVar aggregate classification (germline): Benign (1 of 4 stars; one submission).

Conditions:
Roberts-SC phocomelia syndrome (RBS). Also called: LONG BONE DEFICIENCIES ASSOCIATED WITH CLEFT LIP-PALATE; Hypomelia hypotrichosis facial hemangioma syndrome; ESCO2 Spectrum Disorder; Pseudothalidomide syndrome; Appelt-Gerken-Lenz syndrome. Identifiers: Orphanet 3103, MedGen C0392475, MONDO:0100253, OMIM 268300.

Allele frequency attached by ClinVar (database versions not stated): gnomAD 0.00984 and 0.01068; TOPMed 0.01127; 1000 Genomes Project 0.01158; 1000 Genomes Project 30x 0.01187.

Submission:

Illumina Laboratory Services, Illumina
Classification: Benign for Roberts-SC phocomelia syndrome. Last evaluated: 2018-01-13. Review status: criteria provided, single submitter. Criteria: ICSL Variant Classification Criteria 13 December 2019. Collection method: clinical testing. Allele origin: germline.
Comment: This variant was observed in the ICSL laboratory as part of a predisposition screen in an ostensibly healthy population. It had not been previously curated by ICSL or reported in the Human Gene Mutation Database (HGMD: prior to June 1st, 2018), and was therefore a candidate for classification through an automated scoring system. Utilizing variant allele frequency, disease prevalence and penetrance estimates, and inheritance mode, an automated score was calculated to assess if this variant is too frequent to cause the disease. Based on the score and internal cut-off values, a variant classified as benign is not then subjected to further curation. The score for this variant resulted in a classification of benign for this disease.

NM_001017420.3(ESCO2):c.-68T>G

Genes: ESCO2 (establishment of sister chromatid cohesion N-acetyltransferase 2; plus strand), LOC130000093 (ATAC-STARR-seq lymphoblastoid silent region 19051; plus strand). Cytogenetic location: 8p21.1.
Variant type: single nucleotide variant.
Coding change: c.-68T>G on transcript NM_001017420.3 (MANE Select); 68 bases upstream of the start codon, T replaced by G.
Molecular consequence: 5 prime UTR variant.
Genome position (GRCh38, 1-based): chr8:27,774,556, T>G. VCF-style: chr8-27774556-T-G. GRCh37 (hg19) VCF-style: chr8-27632073-T-G.
Identifiers: ClinVar variation 362726 (VCV000362726.5), dbSNP rs111510470, ClinGen allele CA10625292.